The following is an entry in ClinVar:

ClinVar aggregate classification (germline): Likely benign (0 of 4 stars; one submission).

Conditions:
MUC16-related disorder. Also called: MUC16-related condition.

Submission:

PreventionGenetics, part of Exact Sciences
Classification: Likely benign for MUC16-related condition. Last evaluated: 2022-11-30. Review status: no assertion criteria provided. Collection method: clinical testing. Allele origin: germline.
Comment: This variant is classified as likely benign based on ACMG/AMP sequence variant interpretation guidelines (Richards et al. 2015 PMID: 25741868, with internal and published modifications).

NM_001401501.2(MUC16):c.40836+7A>C

Gene: MUC16 (mucin 16, cell surface associated; minus strand). Cytogenetic location: 19p13.2.
Variant type: single nucleotide variant.
Coding change: c.40836+7A>C on transcript NM_001401501.2 (MANE Select); 7 bases into the intron after coding-DNA position 40836, A replaced by C.
Molecular consequence: intron variant.
Genome position (GRCh38, 1-based): chr19:8,889,464, T>G on the plus strand (A>C on the coding strand, the complement: MUC16 is on the minus strand). VCF-style: chr19-8889464-T-G. GRCh37 (hg19) VCF-style: chr19-9000140-T-G.
Other names: c.41262+7A>C (NM_001414686.1); c.40716+7A>C (NM_001414687.1); c.40610+7A>C (NM_024690.2).
Identifiers: ClinVar variation 3058683 (VCV003058683.2), dbSNP rs1483606375, ClinGen allele CA631396174.